The following is an entry in ClinVar:

ClinVar aggregate classification (germline): Pathogenic (1 of 4 stars; one submission).

Conditions:
Mucolipidosis type IV (ML4). Also called: ML IV. Identifiers: Orphanet 578, MedGen C0238286, MONDO:0009653, OMIM 252650.

Submission:

Labcorp Genetics (formerly Invitae), Labcorp
Classification: Pathogenic for Mucolipidosis type IV. Last evaluated: 2023-09-12. Review status: criteria provided, single submitter. Criteria: Invitae Variant Classification Sherloc (09022015). Collection method: clinical testing. Allele origin: germline.
Comment: For these reasons, this variant has been classified as Pathogenic. This variant disrupts a region of the MCOLN1 protein in which other variant(s) (p.Ala539Profs*41) have been determined to be pathogenic (PMID: 18326692). This suggests that this is a clinically significant region of the protein, and that variants that disrupt it are likely to be disease-causing. This variant has not been reported in the literature in individuals affected with MCOLN1-related conditions. This variant is not present in population databases (gnomAD no frequency). This sequence change results in a frameshift in the MCOLN1 gene (p.Ser535Argfs*72). While this is not anticipated to result in nonsense mediated decay, it is expected to disrupt the last 46 amino acid(s) of the MCOLN1 protein and extend the protein by 25 additional amino acid residues.

Literature cited by the submitters: PubMed 18326692.

NM_020533.3(MCOLN1):c.1605_1606del (p.Ser535fs)

Gene: MCOLN1 (mucolipin TRP cation channel 1; plus strand). Cytogenetic location: 19p13.2.
Variant type: Deletion.
Coding change: c.1605_1606del on transcript NM_020533.3 (MANE Select); coding-DNA positions 1605 to 1606, 2 bases deleted (CG; older notation c.1605_1606delCG).
Protein change: p.Ser535fs; shifts the reading frame from serine 535.
Molecular consequence: frameshift variant.
Genome position (GRCh38, 1-based): chr19:7,533,552-7,533,553, CG deleted; deleting any 2 consecutive bases within chr19:7,533,551-7,533,553 gives the same sequence; the c. name uses the placement nearest the transcript's 3' end. VCF-style (leftmost placement, unchanged base first): chr19-7533550-AGC-A. GRCh37 (hg19) VCF-style: chr19-7598436-AGC-A.
Other names: short protein forms S535fs.
Identifiers: ClinVar variation 2749326 (VCV002749326.3), dbSNP rs2512477841, ClinGen allele CA2697556167.